The following is an entry in ClinVar:

ClinVar aggregate classification (germline): Likely pathogenic (1 of 4 stars; one submission).

Conditions:
Mucolipidosis type II. Also called: ML II ALPHA/BETA; Mucolipidosis 2; ML 2; Inclusion cell disease; Leroy Disease; N-acetylglucosamine 1phosphotransferase deficiency. Identifiers: Orphanet 576, MedGen C2673377, MONDO:0009650, OMIM 252500.

Submission:

Natera, Inc.
Classification: Likely pathogenic for Mucolipidosis type II. Last evaluated: 2024-03-22. Review status: criteria provided, single submitter. Criteria: Natera Variant Classification Schema (03/2026). Collection method: clinical testing. Allele origin: germline.
Comment: The c.38dupG variant in GNPTAB is a frameshift variant predicted to shift the reading frame beginning at codon 13 and leads to a stop codon 42 codons downstream. This variant is expected to result in nonsense mediated decay, truncation, or a dysfunctional protein product. This variant is rare in the general population with a frequency below the threshold expected for the associated phenotype(s). Given the available evidence, this variant is classified as Likely Pathogenic.

NM_024312.5(GNPTAB):c.38dup (p.Cys13fs)

Gene: GNPTAB (N-acetylglucosamine-1-phosphate transferase subunits alpha and beta; minus strand). Cytogenetic location: 12q23.2.
Variant type: Duplication.
Coding change: c.38dup on transcript NM_024312.5 (MANE Select); coding-DNA position 38, one base duplicated (G; older notation c.38dupG).
Protein change: p.Cys13fs; shifts the reading frame from cysteine 13.
Molecular consequence: frameshift variant.
Genome position (GRCh38, 1-based): chr12:101,830,638, C duplicated on the plus strand (G on the coding strand, the reverse complement: GNPTAB is on the minus strand). VCF-style (leftmost placement, unchanged base first): chr12-101830637-G-GC. GRCh37 (hg19) VCF-style: chr12-102224415-G-GC.
Other names: short protein forms C13fs.
Identifiers: ClinVar variation 4816150 (VCV004816150.1).